The following is an entry in ClinVar:

Conditions:
Breast-ovarian cancer, familial, susceptibility to, 1 (BROVCA1). Also called: BRCA1 Hereditary Breast and Ovarian Cancer; OVARIAN CANCER, SUSCEPTIBILITY TO. Identifiers: Orphanet 145, MedGen C2676676, MONDO:0011450, OMIM 604370. Disease mechanism: loss of function.

Submission:

Brotman Baty Institute, University of Washington
No classification provided (evidence only). Condition: Breast-ovarian cancer, familial 1. Review status: no classification provided. Collection method: in vitro. Allele origin: not applicable. Functional consequence: functionally_normal.
ClinVar note: "not provided" was previously submitted as the classification for the variant. However, the classification appeared to be based only on an observation of functional data so it was converted to no classification on 2025-07-30.

NM_007294.4(BRCA1):c.5333-13A>C

Gene: BRCA1 (BRCA1 DNA repair associated; minus strand). Cytogenetic location: 17q21.31.
Variant type: single nucleotide variant.
Coding change: c.5333-13A>C on transcript NM_007294.4 (MANE Select); 13 bases into the intron before coding-DNA position 5333, A replaced by C.
Molecular consequence: intron variant.
Genome position (GRCh38, 1-based): chr17:43,049,207, T>G on the plus strand (A>C on the coding strand, the complement: BRCA1 is on the minus strand). VCF-style: chr17-43049207-T-G. GRCh37 (hg19) VCF-style: chr17-41201224-T-G.
Other names: c.1880-13A>C (NM_001408458.1, NM_001408461.1, NM_001408464.1 and 7 more transcripts); c.4442-13A>C (NM_001407967.1); c.4952-13A>C (NM_001407959.1); c.5066-13A>C (NM_001407931.1, NM_001407932.1, NM_001407928.1 and 4 more transcripts); c.5189-13A>C (NM_001407747.1, NM_001407745.1, NM_001407737.1 and 18 more transcripts); c.4949-13A>C (NM_001407962.1, NM_001407960.1); c.1520-13A>C (NM_001408512.1); c.1643-13A>C (NM_001408510.1); and 84 more.
Identifiers: ClinVar variation 868334 (VCV000868334.3), dbSNP rs2051099941, ClinGen allele CA916080906.
Genomic context (GRCh38, chr17:43,049,207, plus strand): 5'-CCTTCACCACAGAAGCACCACACAGCTGTACCATCCATTCCAGTTGATCTAAAATGGACA[T>G]TTAGATGTAAAATCACTGCAGTAATCTGCATACTTAACCCAGGCCCTCTACCCTACACTC-3'